The following is an entry in ClinVar:

ClinVar aggregate classification (germline): Uncertain significance (1 of 4 stars; one submission).

Submission:

Labcorp Genetics (formerly Invitae), Labcorp
Classification: Uncertain significance. Last evaluated: 2023-12-21. Review status: criteria provided, single submitter. Criteria: Invitae Variant Classification Sherloc (09022015). Collection method: clinical testing. Allele origin: germline.
Comment: This variant, c.193_194insCAG, results in the insertion of 1 amino acid(s) of the HSD11B2 protein (p.Ala64dup), but otherwise preserves the integrity of the reading frame. This variant is present in population databases (no rsID available, gnomAD 0.01%). This variant has not been reported in the literature in individuals affected with HSD11B2-related conditions. ClinVar contains an entry for this variant (Variation ID: 2008819). In summary, the available evidence is currently insufficient to determine the role of this variant in disease. Therefore, it has been classified as a Variant of Uncertain Significance.

NM_000196.4(HSD11B2):c.193_194insCAG (p.Ala64_Gly65insAla)

Gene: HSD11B2 (hydroxysteroid 11-beta dehydrogenase 2; plus strand). Cytogenetic location: 16q22.1.
Variant type: Insertion.
Coding change: c.193_194insCAG on transcript NM_000196.4 (MANE Select); coding-DNA positions 193 to 194, CAG inserted.
Protein change: p.Ala64_Gly65insAla.
Molecular consequence: inframe insertion.
Genome position: GRCh38 VCF-style: chr16-67431440-C-CGCA. GRCh37 (hg19) VCF-style: chr16-67465343-C-CGCA.
Identifiers: ClinVar variation 2008819 (VCV002008819.4), dbSNP rs1212481075, ClinGen allele CA623119730.